The following is an entry in ClinVar:

ClinVar aggregate classification (germline): Likely pathogenic (1 of 4 stars; one submission).

Conditions:
Epidermolysis bullosa simplex 1D, generalized, intermediate or severe, autosomal recessive. Identifiers: Orphanet 89838, MedGen C3715082, MONDO:0010976, OMIM 601001.

Submission:

Variantyx, Inc.
Classification: Likely pathogenic for Epidermolysis bullosa simplex 1D, generalized, intermediate or severe, autosomal recessive. Last evaluated: 2025-09-25. Review status: criteria provided, single submitter. Criteria: Variantyx Assertion Criteria 2022. Collection method: clinical testing. Allele origin: germline. Inheritance: Autosomal recessive inheritance. Affected: no.
Comment: This is a frameshift variant in the KRT14 gene (OMIM: 148066). Pathogenic variants in this gene have been associated with autosomal recessive generalized intermediate or severe epidermolysis bullosa simplex 1D. This variant introduces a premature termination codon in exon 5 out of 8 and is expected to result in loss of function, which is a known disease mechanism for KRT14 in this disorder (PMID: 20301543) (PVS1). This variant is absent from control populations (PM2). Based on the current evidence, this variant is classified as likely pathogenic for autosomal recessive generalized intermediate or severe epidermolysis bullosa simplex 1D.

Literature cited by the submitters: PubMed 20301543.

NM_000526.5(KRT14):c.965_966insCACC (p.Glu322fs)

Gene: KRT14 (keratin 14; minus strand). Cytogenetic location: 17q21.2.
Variant type: Insertion.
Coding change: c.965_966insCACC on transcript NM_000526.5 (MANE Select); coding-DNA positions 965 to 966, CACC inserted.
Protein change: p.Glu322fs; shifts the reading frame from glutamic acid 322.
Molecular consequence: frameshift variant.
Genome position: GRCh38 VCF-style: chr17-41583638-C-CGGTG. GRCh37 (hg19) VCF-style: chr17-39739890-C-CGGTG.
Other names: short protein forms E322fs.
Identifiers: ClinVar variation 4850692 (VCV004850692.1).